The following is an entry in ClinVar:

NM_032634.4(PIGO):c.1960C>G (p.Leu654Val)

Gene: PIGO (phosphatidylinositol glycan anchor biosynthesis class O; minus strand). Cytogenetic location: 9p13.3.
Variant type: single nucleotide variant.
Coding change: c.1960C>G on transcript NM_032634.4 (MANE Select); coding-DNA position 1960, C replaced by G.
Protein change: p.Leu654Val; replaces leucine 654 with valine.
Molecular consequence: missense variant. On other transcripts: intron variant (2).
Genome position (GRCh38, 1-based): chr9:35,091,927, G>C on the plus strand (C>G on the coding strand, the complement: PIGO is on the minus strand). VCF-style: chr9-35091927-G-C. GRCh37 (hg19) VCF-style: chr9-35091924-G-C.
Other names: c.1344+616C>G (NM_152850.4, NM_001201484.2); short protein forms L654V.
Identifiers: ClinVar variation 473220 (VCV000473220.7), dbSNP rs766400679, ClinGen allele CA373321065.

ClinVar aggregate classification (germline): Uncertain significance. Review status: criteria provided, multiple submitters, no conflicts (2 of 4 stars). 2 submissions from 2 submitters: Uncertain significance (2). Last evaluated 2024-03-19.

Conditions:
Hyperphosphatasia with impaired intellectual development syndrome 2. Also called: GLYCOSYLPHOSPHATIDYLINOSITOL BIOSYNTHESIS DEFECT 6; Hyperphosphatasia with intellectual disability syndrome 2. Identifiers: Orphanet 247262, MedGen C3553637, MONDO:0013882, OMIM 614749.
Inborn genetic diseases. Identifiers: MedGen C0950123, MeSH D030342.

gnomAD v4.1: 7 of 1,614,240 alleles (0.00043%); highest among the groups gnomAD compares: Non-Finnish European, 0.00059%; no homozygotes.

Submissions (2):

Ambry Genetics
Classification: Uncertain significance for Inborn genetic diseases. Last evaluated: 2024-03-19. Review status: criteria provided, single submitter. Criteria: Ambry Variant Classification Scheme 2023. Collection method: clinical testing. Allele origin: germline.

Labcorp Genetics (formerly Invitae), Labcorp
Classification: Uncertain significance for Hyperphosphatasia with impaired intellectual development syndrome 2. Last evaluated: 2022-03-29. Review status: criteria provided, single submitter. Criteria: Invitae Variant Classification Sherloc (09022015). Collection method: clinical testing. Allele origin: germline.
Comment: In summary, the available evidence is currently insufficient to determine the role of this variant in disease. Therefore, it has been classified as a Variant of Uncertain Significance. Algorithms developed to predict the effect of sequence changes on RNA splicing suggest that this variant may create or strengthen a splice site. Algorithms developed to predict the effect of missense changes on protein structure and function are either unavailable or do not agree on the potential impact of this missense change (SIFT: "Tolerated"; PolyPhen-2: "Probably Damaging"; Align-GVGD: "Class C0"). ClinVar contains an entry for this variant (Variation ID: 473220). This variant has not been reported in the literature in individuals affected with PIGO-related conditions. This variant is not present in population databases (gnomAD no frequency). This sequence change replaces leucine, which is neutral and non-polar, with valine, which is neutral and non-polar, at codon 654 of the PIGO protein (p.Leu654Val).